The following is an entry in ClinVar:

ClinVar aggregate classification (germline): Benign/Likely benign. Review status: criteria provided, single submitter (1 of 4 stars). 3 submissions from 1 submitter: Benign (2); Likely benign (1). Last evaluated 2017-06-23.

Conditions:
Ectrodactyly, ectodermal dysplasia, and cleft lip-palate syndrome 3. Also called: Ectrodactyly, Ectodermal Dysplasia, Clefting Syndrome Type 3 (EEC3); Ectrodactyly, Ectodermal Dysplasia, Cleft Lip/Palate Syndrome 3 (EEC3); Ectrodactyly, Ectodermal Dysplasia, Clefting Syndrome; EEC SYNDROME 3. Identifiers: Orphanet 1896, MedGen C1858562, MONDO:0011428, OMIM 604292.
Orofacial cleft 8. Also called: Cleft lip with or without cleft palate, nonsyndromic, 8. Identifiers: MedGen C1851878, MONDO:0029145, OMIM 618149.
TP63-Related Spectrum Disorders.

Allele frequency attached by ClinVar (database versions not stated): TOPMed 0.00010; 1000 Genomes Project 30x 0.00062; gnomAD exomes 0.00064; 1000 Genomes Project 0.00080.
gnomAD v4.1: 49 of 222,152 alleles (0.022%); highest among the groups gnomAD compares: East Asian, 0.34%; 1 homozygote.

Submissions (3):

Illumina Laboratory Services, Illumina
Classification: Likely benign for Orofacial cleft 8. Last evaluated: 2017-06-23. Review status: criteria provided, single submitter. Criteria: ICSL Variant Classification Criteria 13 December 2019. Collection method: clinical testing. Allele origin: germline.
Comment: This variant was observed as part of a predisposition screen in an ostensibly healthy population. A literature search was performed for the gene, cDNA change, and amino acid change (where applicable). No publications were found based on this search. Allele frequency data from public databases allowed determination this variant is unlikely to cause disease. Therefore, this variant is classified as likely benign.

Illumina Laboratory Services, Illumina
Classification: Benign for TP63-Related Spectrum Disorders. Last evaluated: 2017-06-23. Review status: criteria provided, single submitter. Criteria: ICSL Variant Classification Criteria 13 December 2019. Collection method: clinical testing. Allele origin: germline.
Comment: This variant was observed as part of a predisposition screen in an ostensibly healthy population. A literature search was performed for the gene, cDNA change, and amino acid change (where applicable). Publications were found based on this search. The evidence from the literature, in combination with allele frequency data from public databases where available, was sufficient to rule this variant out of causing disease. Therefore, this variant is classified as benign.

Illumina Laboratory Services, Illumina
Classification: Benign for Ectrodactyly, ectodermal dysplasia, and cleft lip-palate syndrome 3. Last evaluated: 2017-06-23. Review status: criteria provided, single submitter. Criteria: ICSL Variant Classification Criteria 13 December 2019. Collection method: clinical testing. Allele origin: germline.
Comment: This variant was observed as part of a predisposition screen in an ostensibly healthy population. A literature search was performed for the gene, cDNA change, and amino acid change (where applicable). No publications were found based on this search. Allele frequency data from public databases was too high to be consistent with this variant causing disease. Therefore, this variant is classified as benign.

Literature cited by the submitters: PubMed 27798044.

NM_003722.5(TP63):c.*471A>T

Gene: TP63 (tumor protein p63; plus strand). Cytogenetic location: 3q28.
Variant type: single nucleotide variant.
Coding change: c.*471A>T on transcript NM_003722.5 (MANE Select); 471 bases downstream of the stop codon, A replaced by T.
Molecular consequence: 3 prime UTR variant.
Genome position (GRCh38, 1-based): chr3:189,894,973, A>T. VCF-style: chr3-189894973-A-T. GRCh37 (hg19) VCF-style: chr3-189612762-A-T.
Other names: c.*752A>T (NM_001114978.2, NM_001114981.2); c.*471A>T (NM_001114980.2, NM_001329146.2, NM_001329148.2 and 1 more transcripts); c.*742A>T (NM_001329144.2, NM_001329145.2, NM_001329149.2 and 1 more transcripts).
Identifiers: ClinVar variation 902838 (VCV000902838.5), dbSNP rs144018872, ClinGen allele CA89713696.